The following is an entry in ClinVar:

NM_003242.6(TGFBR2):c.782C>T (p.Ala261Val)

Gene: TGFBR2 (transforming growth factor beta receptor 2; plus strand). Cytogenetic location: 3p24.1.
Variant type: single nucleotide variant.
Coding change: c.782C>T on transcript NM_003242.6 (MANE Select); coding-DNA position 782, C replaced by T.
Protein change: p.Ala261Val; replaces alanine 261 with valine.
Molecular consequence: missense variant.
Genome position (GRCh38, 1-based): chr3:30,671,965, C>T. VCF-style: chr3-30671965-C-T. GRCh37 (hg19) VCF-style: chr3-30713457-C-T.
Other names: c.857C>T, p.Ala286Val (NM_001024847.3); c.965C>T, p.Ala322Val (NM_001407126.1); c.890C>T, p.Ala297Val (NM_001407127.1); c.809C>T, p.Ala270Val (NM_001407128.1); c.785C>T, p.Ala262Val (NM_001407129.1); c.782C>T, p.Ala261Val (NM_001407130.1); c.677C>T, p.Ala226Val (NM_001407132.1, NM_001407133.1, NM_001407134.1 and 2 more transcripts); c.497C>T, p.Ala166Val (NM_001407137.1); and 2 more; short protein forms A261V, A286V, A141V, A262V, A270V, A297V, A322V, A226V.
Identifiers: ClinVar variation 1477632 (VCV001477632.10), dbSNP rs1699347160, ClinGen allele CA351807858.

ClinVar aggregate classification (germline): Uncertain significance. Review status: criteria provided, multiple submitters, no conflicts (2 of 4 stars). 2 submissions from 2 submitters: Uncertain significance (2). Last evaluated 2026-03-07.

Conditions:
Familial thoracic aortic aneurysm and aortic dissection (TAAD). Also called: Thoracic aortic aneurysms and dissections. Identifiers: Orphanet 91387, MedGen C4707243, MONDO:0019625.

Allele frequency attached by ClinVar (database versions not stated): gnomAD 0.00001.
gnomAD v4.1: 1 of 1,614,050 alleles (0.000062%); highest among the groups gnomAD compares: Admixed American, 0.0017%; no homozygotes.

Submissions (2):

Ambry Genetics
Classification: Uncertain significance for Familial thoracic aortic aneurysm and aortic dissection. Last evaluated: 2026-03-07. Review status: criteria provided, single submitter. Criteria: Ambry Variant Classification Scheme 2023. Collection method: clinical testing. Allele origin: germline.
Comment: The p.A261V variant (also known as c.782C>T), located in coding exon 4 of the TGFBR2 gene, results from a C to T substitution at nucleotide position 782. The alanine at codon 261 is replaced by valine, an amino acid with similar properties. This amino acid position is conserved. In addition, this alteration is predicted to be deleterious by in silico analysis. Based on the available evidence, the clinical significance of this variant remains unclear.

Labcorp Genetics (formerly Invitae), Labcorp
Classification: Uncertain significance for Familial thoracic aortic aneurysm and aortic dissection. Last evaluated: 2021-06-23. Review status: criteria provided, single submitter. Criteria: Invitae Variant Classification Sherloc (09022015). Collection method: clinical testing. Allele origin: germline.
Comment: In summary, the available evidence is currently insufficient to determine the role of this variant in disease. Therefore, it has been classified as a Variant of Uncertain Significance. Algorithms developed to predict the effect of sequence changes on RNA splicing suggest that this variant may create or strengthen a splice site, but this prediction has not been confirmed by published transcriptional studies. Advanced modeling of protein sequence and biophysical properties (such as structural, functional, and spatial information, amino acid conservation, physicochemical variation, residue mobility, and thermodynamic stability) performed at Invitae indicates that this missense variant is expected to disrupt TGFBR2 protein function. This variant has been observed in individual(s) with TGFBR2-related conditions (Invitae). This variant is not present in population databases (ExAC no frequency). This sequence change replaces alanine with valine at codon 261 of the TGFBR2 protein (p.Ala261Val). The alanine residue is highly conserved and there is a small physicochemical difference between alanine and valine.